The following is an entry in ClinVar:

ClinVar aggregate classification (germline): Pathogenic (1 of 4 stars; one submission).

Conditions:
Lesch-Nyhan syndrome (LNS). Also called: Lesch-Nyhan Disease (LND); HPRT DEFICIENCY, COMPLETE. Identifiers: Orphanet 510, MedGen C0023374, MONDO:0010298, OMIM 300322.
Partial hypoxanthine-guanine phosphoribosyltransferase deficiency. Also called: HPRT1 DEFICIENCY, PARTIAL; Kelley-Seegmiller Syndrome; HPRT DEFICIENCY, PARTIAL; HYPOXANTHINE GUANINE PHOSPHORIBOSYLTRANSFERASE 1 DEFICIENCY, PARTIAL; GOUT, HPRT-RELATED. Identifiers: Orphanet 79233, MedGen C0268117, MONDO:0010299, OMIM 300323.

Submission:

Labcorp Genetics (formerly Invitae), Labcorp
Classification: Pathogenic for Lesch-Nyhan syndrome; Partial hypoxanthine-guanine phosphoribosyltransferase deficiency. Last evaluated: 2019-12-24. Review status: criteria provided, single submitter. Criteria: Invitae Variant Classification Sherloc (09022015). Collection method: clinical testing. Allele origin: germline.
Comment: This variant results in the deletion of part of exon 1 (c.22_27+28del) of the HPRT1 gene. It is expected to disrupt RNA splicing and likely results in an absent or disrupted protein product. For these reasons, this variant has been classified as Pathogenic. Loss-of-function variants in HPRT1 are known to be pathogenic (PMID: 15571220, 17027311, 22157001). This variant disrupts the c.27+5 nucleotide in the HPRT1 gene. Other variant(s) that disrupt this nucleotide have been determined to be pathogenic (PMID: 17027311). This suggests that this nucleotide is clinically-significant, and that variants that disrupt this position are likely to be disease-causing. Algorithms developed to predict the effect of sequence changes on RNA splicing suggest that this variant may disrupt the consensus splice site, but this prediction has not been confirmed by published transcriptional studies. This variant has not been reported in the literature in individuals with HPRT1-related conditions. The frequency data for this variant in the population databases is considered unreliable, as metrics indicate insufficient coverage at this position in the ExAC database.

Literature cited by the submitters: PubMed 15571220; PubMed 17027311; PubMed 22157001.

NM_000194.3(HPRT1):c.22_27+28del

Genes: HPRT1 (hypoxanthine phosphoribosyltransferase 1; plus strand), LOC129929047 (ATAC-STARR-seq lymphoblastoid silent region 21009; plus strand), LOC107032760 (origin of replication in promoter/intron 1 of HPRT1; plus strand). Cytogenetic location: Xq26.2.
Variant type: Deletion.
Coding change: c.22_27+28del on transcript NM_000194.3 (MANE Select); coding-DNA position 22 through 28 bases into the intron after coding-DNA position 27, 34 bases deleted.
Molecular consequence: splice donor variant.
Genome position (GRCh38, 1-based): chrX:134,460,333-134,460,366, 34 bases deleted; deleting any 34 consecutive bases within chrX:134,460,325-134,460,366 gives the same sequence; the c. name uses the placement nearest the transcript's 3' end. GRCh37 (hg19): chrX:133,594,363-133,594,396.
Identifiers: ClinVar variation 842633 (VCV000842633.8), dbSNP rs2077579380, ClinGen allele CA916083999.
Genomic context (GRCh38, chrX:134,460,324, plus strand): 5'-CGGCTTCCTCCTCCTGAGCAGTCAGCCCGCGCGCCGGCCGGCTCCGTTATGGCGACCCGC[AGCCCTGGCGTCGTGGTGAGCAGCTCGGCCTGCCG>A]GCCCTGGCCGGTTCAGGCCCACGCGGCAGGTGGCGGCCGGGCCCTGAGGCGCGGGATCCG-3'